The following is an entry in ClinVar:

ClinVar aggregate classification (germline): Benign/Likely benign. Review status: criteria provided, multiple submitters, no conflicts (2 of 4 stars). 5 submissions from 5 submitters: Benign (3); Likely benign (2). Last evaluated 2025-12-14.

Allele frequency attached by ClinVar (database versions not stated): gnomAD exomes 0.00018 and 0.00033; ExAC 0.00024; TOPMed 0.00026; gnomAD 0.00027 and 0.00028; ESP Exome Variant Server 0.00032.

Submissions (5):

Labcorp Genetics (formerly Invitae), Labcorp
Classification: Benign. Last evaluated: 2025-12-14. Review status: criteria provided, single submitter. Criteria: Invitae Variant Classification Sherloc (09022015). Collection method: clinical testing. Allele origin: germline.

Blueprint Genetics
Classification: Likely benign. Last evaluated: 2024-10-22. Review status: criteria provided, single submitter. Criteria: ACMG Guidelines, 2015. Collection method: clinical testing. Allele origin: germline.

CeGaT Center for Human Genetics Tuebingen
Classification: Likely benign. Last evaluated: 2023-03-01. Review status: criteria provided, single submitter. Criteria: CeGaT Center For Human Genetics Tuebingen Variant Classification Criteria Version 2. Collection method: clinical testing. Allele origin: germline. Affected: yes. Observed: 1 variant allele.
Comment: OSBPL2: BP4

GeneDx
Classification: Benign. Last evaluated: 2020-12-14. Review status: criteria provided, single submitter. Criteria: GeneDx Variant Classification Process June 2021. Collection method: clinical testing. Allele origin: germline. Affected: yes.

Laboratory for Molecular Medicine, Mass General Brigham Personalized Medicine
Classification: Benign. Last evaluated: 2018-05-16. Review status: criteria provided, single submitter. Criteria: LMM Criteria. Collection method: clinical testing. Allele origin: germline. Observed: 1 variant allele.
Comment: c.1250-3delT in intron 12 of OSBPL2: This variant is classified as benign becaus e it has been identified in 0.76% (77/10075) of Ashkenazi Jewish chromosomes by the Genome Aggregation Database (gnomAD; dbSNP rs781009740) and it is not predicted to impact splicing. ACMG/AMP criteria appl ied: BA1, BP4.

NM_144498.4(OSBPL2):c.1250-3del

Gene: OSBPL2 (oxysterol binding protein like 2; plus strand). Cytogenetic location: 20q13.33.
Variant type: Deletion.
Coding change: c.1250-3del on transcript NM_144498.4 (MANE Select); 3 bases into the intron before coding-DNA position 1250, one base deleted (T; older notation c.1250-3delT).
Molecular consequence: intron variant.
Genome position (GRCh38, 1-based): chr20:62,291,700, T deleted. VCF-style (leftmost placement, unchanged base first): chr20-62291699-CT-C. GRCh37 (hg19) VCF-style: chr20-60866755-CT-C.
Other names: c.974-3del (NM_001363878.2); c.1214-3del (NM_014835.5); c.850-3del (NM_001278649.3).
Identifiers: ClinVar variation 666630 (VCV000666630.35), dbSNP rs781009740, ClinGen allele CA9938764.